The following is an entry in ClinVar:

ClinVar aggregate classification (germline): Uncertain significance. Review status: criteria provided, multiple submitters, no conflicts (2 of 4 stars). 3 submissions from 3 submitters: Uncertain significance (2). 1 of the submissions does not count toward it. Last evaluated 2023-12-18.

Conditions:
Usher syndrome type 2A. Also called: RETINAL DISEASE IN USHER SYNDROME TYPE IIA, MODIFIER OF; USHER SYNDROME, TYPE IIA. Identifiers: Orphanet 231178, Orphanet 886, MedGen C1848634, MONDO:0010169, OMIM 276901.

Allele frequency attached by ClinVar (database versions not stated): ExAC 0.00001; gnomAD exomes 0.00001 and 0.00002; TOPMed 0.00002; gnomAD 0.00003.
gnomAD v4.1: 35 of 1,613,714 alleles (0.0022%); highest among the groups gnomAD compares: Non-Finnish European, 0.0029%; no homozygotes.

Submissions (3):

Blueprint Genetics
Classification: Uncertain significance. Last evaluated: 2023-12-18. Review status: criteria provided, single submitter. Criteria: ACMG Guidelines, 2015. Collection method: clinical testing. Allele origin: germline.

Labcorp Genetics (formerly Invitae), Labcorp
Classification: Uncertain significance. Last evaluated: 2022-10-09. Review status: criteria provided, single submitter. Criteria: Invitae Variant Classification Sherloc (09022015). Collection method: clinical testing. Allele origin: germline.
Comment: This sequence change replaces cysteine, which is neutral and slightly polar, with tyrosine, which is neutral and polar, at codon 3403 of the USH2A protein (p.Cys3403Tyr). This variant is present in population databases (rs202009522, gnomAD 0.002%). This missense change has been observed in individual(s) with clinical features of retinitis pigmentosa (Invitae). ClinVar contains an entry for this variant (Variation ID: 953448). Algorithms developed to predict the effect of missense changes on protein structure and function (SIFT, PolyPhen-2, Align-GVGD) all suggest that this variant is likely to be disruptive. In summary, the available evidence is currently insufficient to determine the role of this variant in disease. Therefore, it has been classified as a Variant of Uncertain Significance.

Natera, Inc.
Classification: Uncertain significance for Usher syndrome type 2A. Last evaluated: 2021-07-12. Review status: no assertion criteria provided. Collection method: clinical testing. Allele origin: germline. Not counted in ClinVar's aggregate classification.

NM_206933.4(USH2A):c.10208G>A (p.Cys3403Tyr)

Gene: USH2A (usherin; minus strand). Cytogenetic location: 1q41.
Variant type: single nucleotide variant.
Coding change: c.10208G>A on transcript NM_206933.4 (MANE Select); coding-DNA position 10208, G replaced by A.
Protein change: p.Cys3403Tyr; replaces cysteine 3403 with tyrosine.
Molecular consequence: missense variant.
Genome position (GRCh38, 1-based): chr1:215,786,849, C>T on the plus strand (G>A on the coding strand, the complement: USH2A is on the minus strand). VCF-style: chr1-215786849-C-T. GRCh37 (hg19) VCF-style: chr1-215960191-C-T.
Other names: short protein forms C3403Y.
Identifiers: ClinVar variation 953448 (VCV000953448.5), dbSNP rs202009522, ClinGen allele CA1394097.